The following is an entry in ClinVar:

NM_001042681.2(RERE):c.3136C>G (p.Pro1046Ala)

Gene: RERE (arginine-glutamic acid dipeptide repeats; minus strand). Cytogenetic location: 1p36.23.
Variant type: single nucleotide variant.
Coding change: c.3136C>G on transcript NM_001042681.2 (MANE Select); coding-DNA position 3136, C replaced by G.
Protein change: p.Pro1046Ala; replaces proline 1046 with alanine.
Molecular consequence: missense variant.
Genome position (GRCh38, 1-based): chr1:8,360,371, G>C on the plus strand (C>G on the coding strand, the complement: RERE is on the minus strand). VCF-style: chr1-8360371-G-C. GRCh37 (hg19) VCF-style: chr1-8420431-G-C.
Other names: c.1474C>G, p.Pro492Ala (NM_001042682.2); c.3136C>G, p.Pro1046Ala (NM_012102.4); short protein forms P1046A, P492A.
Identifiers: ClinVar variation 1699384 (VCV001699384.3), dbSNP rs977359991, ClinGen allele CA338171190.

ClinVar aggregate classification (germline): Uncertain significance (1 of 4 stars; one submission).

Conditions:
Neurodevelopmental disorder with or without anomalies of the brain, eye, or heart (NEDBEH). Identifiers: Orphanet 494344, MedGen C5567477, MONDO:0014857, OMIM 616975.

gnomAD v4.1: 1 of 1,460,458 alleles (0.000068%); highest among the groups gnomAD compares: Non-Finnish European, 0.000091%; no homozygotes.

Submission:

Victorian Clinical Genetics Services, Murdoch Childrens Research Institute
Classification: Uncertain significance for Neurodevelopmental disorder with or without anomalies of the brain, eye, or heart. Last evaluated: 2022-02-02. Review status: criteria provided, single submitter. Criteria: ACMG Guidelines, 2015. Collection method: clinical testing. Allele origin: germline. Inheritance: Autosomal dominant inheritance. Affected: yes.
Comment: Based on the classification scheme VCGS_Germline_v1.3.4, this variant is classified as VUS-3C. Following criteria are met: 0102 - Loss of function is a known mechanism of disease in this gene and is associated with neurodevelopmental disorder with or without anomalies of the brain, eye, or heart (MIM#616975). Dominant negative is a suggested mechanism of disease for missense variants (PMID: 29330883). (I) 0107 - This gene is associated with autosomal dominant disease. (I) 0200 - Variant is predicted to result in a missense amino acid change from proline to alanine. (I) 0251 - This variant is heterozygous. (I) 0301 - Variant is absent from gnomAD (both v2 and v3). (SP) 0309 - An alternative amino acid change at the same position has been observed in gnomAD (v3) (3 heterozygotes, 0 homozygotes). (I) 0503 - Missense variant consistently predicted to be tolerated by multiple in silico tools or not conserved in placental mammals with a minor amino acid change. (SB) 0600 - Variant is located in the annotated Atrophin-1 domain (NCBI). (I) 0705 - No comparable missense variants have previous evidence for pathogenicity. (I) 0807 - This variant has no previous evidence of pathogenicity. (I) 0905 - No published segregation evidence has been identified for this variant. (I) 1007 - No published functional evidence has been identified for this variant. (I) 1208 - Inheritance information for this variant is not currently available in this individual. (I) Legend: (SP) - Supporting pathogenic, (I) - Information, (SB) - Supporting benign

Literature cited by the submitters: PubMed 29330883.